The following is an entry in ClinVar:

ClinVar aggregate classification (germline): Uncertain significance (1 of 4 stars; one submission).

Conditions:
Atrial fibrillation, familial, 7 (ATFB7). Identifiers: MedGen C2677106, MONDO:0012828, OMIM 612240.

Submission:

Labcorp Genetics (formerly Invitae), Labcorp
Classification: Uncertain significance for Atrial fibrillation, familial, 7. Last evaluated: 2022-03-08. Review status: criteria provided, single submitter. Criteria: Invitae Variant Classification Sherloc (09022015). Collection method: clinical testing. Allele origin: germline.
Comment: This sequence change replaces threonine, which is neutral and polar, with alanine, which is neutral and non-polar, at codon 329 of the KCNA5 protein (p.Thr329Ala). In summary, the available evidence is currently insufficient to determine the role of this variant in disease. Therefore, it has been classified as a Variant of Uncertain Significance. Algorithms developed to predict the effect of missense changes on protein structure and function (SIFT, PolyPhen-2, Align-GVGD) all suggest that this variant is likely to be disruptive. This variant has not been reported in the literature in individuals affected with KCNA5-related conditions. This variant is not present in population databases (gnomAD no frequency).

NM_002234.4(KCNA5):c.985A>G (p.Thr329Ala)

Gene: KCNA5 (potassium voltage-gated channel subfamily A member 5; plus strand). Cytogenetic location: 12p13.32.
Variant type: single nucleotide variant.
Coding change: c.985A>G on transcript NM_002234.4 (MANE Select); coding-DNA position 985, A replaced by G.
Protein change: p.Thr329Ala; replaces threonine 329 with alanine.
Molecular consequence: missense variant.
Genome position (GRCh38, 1-based): chr12:5,045,132, A>G. VCF-style: chr12-5045132-A-G. GRCh37 (hg19) VCF-style: chr12-5154298-A-G.
Other names: short protein forms T329A.
Identifiers: ClinVar variation 1360745 (VCV001360745.8), dbSNP rs1357235586, ClinGen allele CA383465536.
Genomic context (GRCh38, chr12:5,045,132, plus strand): 5'-GGCCCTACGGTGGCACCGCTCCTGCCCAGGACCCTGGCCGACCCCTTCTTCATCGTGGAG[A>G]CCACGTGCGTCATCTGGTTCACCTTCGAGCTGCTCGTGCGCTTCTTCGCCTGCCCCAGCA-3'
Protein context (NP_002225.2, residues 319-339): TLADPFFIVE[Thr329Ala]TCVIWFTFEL